The following is an entry in ClinVar:

NM_021815.5(SLC5A7):c.477G>A (p.Val159=)

Gene: SLC5A7 (solute carrier family 5 member 7; plus strand). Cytogenetic location: 2q12.3.
Variant type: single nucleotide variant.
Coding change: c.477G>A on transcript NM_021815.5 (MANE Select); coding-DNA position 477, G replaced by A.
Protein change: p.Val159=; no amino-acid change (valine 159 retained).
Molecular consequence: synonymous variant. On other transcripts: 5 prime UTR variant (1).
Genome position (GRCh38, 1-based): chr2:107,997,866, G>A. VCF-style: chr2-107997866-G-A. GRCh37 (hg19) VCF-style: chr2-108614322-G-A.
Other names: c.477G>A, p.Val159= (NM_001305005.3); c.162G>A, p.Val54= (NM_001305006.3); c.-228G>A (NM_001305007.3).
Identifiers: ClinVar variation 532818 (VCV000532818.37), dbSNP rs143203868, ClinGen allele CA1818978.

ClinVar aggregate classification (germline): Benign/Likely benign. Review status: criteria provided, multiple submitters, no conflicts (2 of 4 stars). 3 submissions from 3 submitters: Benign (1); Likely benign (2). Last evaluated 2025-11-26.

Conditions:
Neuronopathy, distal hereditary motor, type 7A. Also called: Neuronopathy, distal hereditary motor, type viia; HARPER-YOUNG MYOPATHY; HMN VIIA; SPINAL MUSCULAR ATROPHY, DISTAL, WITH VOCAL CORD PARALYSIS; NEURONOPATHY, DISTAL HEREDITARY MOTOR, HARDING TYPE VIIA; NEUROPATHY, DISTAL HEREDITARY MOTOR, HARDING TYPE VIIA. Identifiers: Orphanet 139589, MedGen C1834703, MONDO:0008024, OMIM 158580.
Congenital myasthenic syndrome 20. Also called: Myasthenic syndrome, congenital, 20, presynaptic. Identifiers: MedGen C4310694, MONDO:0014939, OMIM 617143.
Inborn genetic diseases. Identifiers: MedGen C0950123, MeSH D030342.

Allele frequency attached by ClinVar (database versions not stated): gnomAD exomes 0.00053 and 0.00155; ExAC 0.00103; gnomAD 0.00126 and 0.00133; TOPMed 0.00004; ESP Exome Variant Server 0.00008; 1000 Genomes Project 30x 0.00016; 1000 Genomes Project 0.00020.
gnomAD v4.1: 958 of 1,611,874 alleles (0.059%); highest among the groups gnomAD compares: Non-Finnish European, 0.0077%; 5 homozygotes.

Submissions (3):

Labcorp Genetics (formerly Invitae), Labcorp
Classification: Benign for Neuronopathy, distal hereditary motor, type 7A; Congenital myasthenic syndrome 20. Last evaluated: 2025-11-26. Review status: criteria provided, single submitter. Criteria: Invitae Variant Classification Sherloc (09022015). Collection method: clinical testing. Allele origin: germline.

CeGaT Center for Human Genetics Tuebingen
Classification: Likely benign. Last evaluated: 2024-01-01. Review status: criteria provided, single submitter. Criteria: CeGaT Center For Human Genetics Tuebingen Variant Classification Criteria Version 2. Collection method: clinical testing. Allele origin: germline. Affected: yes. Observed: 2 variant alleles.
Comment: SLC5A7: BP4, BP7

Ambry Genetics
Classification: Likely benign for Inborn genetic diseases. Last evaluated: 2019-07-11. Review status: criteria provided, single submitter. Criteria: Ambry Variant Classification Scheme 2023. Collection method: clinical testing. Allele origin: germline.